The following is an entry in ClinVar:

NM_001267550.2(TTN):c.106467T>C (p.Leu35489=)

Genes: TTN (titin; minus strand), TTN-AS1 (TTN antisense RNA 1; plus strand). Cytogenetic location: 2q31.2.
Variant type: single nucleotide variant.
Coding change: c.106467T>C on transcript NM_001267550.2 (MANE Select); coding-DNA position 106467, T replaced by C.
Protein change: p.Leu35489=; no amino-acid change (leucine 35489 retained).
Molecular consequence: synonymous variant.
Genome position (GRCh38, 1-based): chr2:178,530,024, A>G on the plus strand (T>C on the coding strand, the complement: TTN is on the minus strand). VCF-style: chr2-178530024-A-G. GRCh37 (hg19) VCF-style: chr2-179394751-A-G.
Other names: c.101544T>C, p.Leu33848= (NM_001256850.1); c.79272T>C, p.Leu26424= (NM_003319.4); c.98763T>C, p.Leu32921= (NM_133378.4); c.79647T>C, p.Leu26549= (NM_133432.3); c.79848T>C, p.Leu26616= (NM_133437.4).
Identifiers: ClinVar variation 191808 (VCV000191808.1), dbSNP rs786205319, ClinGen allele CA237602.

ClinVar aggregate classification (germline): Uncertain significance (1 of 4 stars; one submission).

Submission:

Biesecker Lab/Clinical Genomics Section, National Institutes of Health
Classification: Uncertain significance. Last evaluated: 2013-06-24. Review status: criteria provided, single submitter. Criteria: Ng et al. (Circ Cardiovasc Genet. 2013). Collection method: research. Allele origin: unknown. Observed: 1 variant allele. Study: ClinSeq.
Comment: The study set was not selected for affection status in relation to any cancer. Pathogenicity categories were based on literature curation. See Pubmed ID:23861362 for details.

Medical sequencing